The following is an entry in ClinVar:

ClinVar aggregate classification (germline): Uncertain significance (1 of 4 stars; one submission).

gnomAD v4.1: 1 of 1,614,174 alleles (0.000062%); highest among the groups gnomAD compares: Non-Finnish European, 0.000085%; no homozygotes.

Submission:

Labcorp Genetics (formerly Invitae), Labcorp
Classification: Uncertain significance. Last evaluated: 2022-11-08. Review status: criteria provided, single submitter. Criteria: Invitae Variant Classification Sherloc (09022015). Collection method: clinical testing. Allele origin: germline.
Comment: In summary, the available evidence is currently insufficient to determine the role of this variant in disease. Therefore, it has been classified as a Variant of Uncertain Significance. Advanced modeling of protein sequence and biophysical properties (such as structural, functional, and spatial information, amino acid conservation, physicochemical variation, residue mobility, and thermodynamic stability) performed at Invitae indicates that this missense variant is not expected to disrupt COQ6 protein function. ClinVar contains an entry for this variant (Variation ID: 1500435). This variant has not been reported in the literature in individuals affected with COQ6-related conditions. This variant is present in population databases (no rsID available, gnomAD 0.0009%). This sequence change replaces arginine, which is basic and polar, with proline, which is neutral and non-polar, at codon 343 of the COQ6 protein (p.Arg343Pro).

NM_182476.3(COQ6):c.1028G>C (p.Arg343Pro)

Genes: COQ6 (coenzyme Q6, monooxygenase; plus strand), ENTPD5 (ectonucleoside triphosphate diphosphohydrolase 5; minus strand). Cytogenetic location: 14q24.3.
Variant type: single nucleotide variant.
Coding change: c.1028G>C on transcript NM_182476.3 (MANE Select); coding-DNA position 1028, G replaced by C.
Protein change: p.Arg343Pro; replaces arginine 343 with proline.
Molecular consequence: missense variant. On other transcripts: 3 prime UTR variant (1), intron variant (5).
Genome position (GRCh38, 1-based): chr14:73,961,309, G>C. VCF-style: chr14-73961309-G-C. GRCh37 (hg19) VCF-style: chr14-74428012-G-C.
Other names: c.1028G>C, p.Arg343Pro (NM_001425255.1); c.920G>C, p.Arg307Pro (NM_001425256.1); c.863G>C, p.Arg288Pro (NM_001425257.1); c.845G>C, p.Arg282Pro (NM_001425258.1); c.803G>C, p.Arg268Pro (NM_001425259.1, NM_001425260.1, NM_001425261.1); c.773G>C, p.Arg258Pro (NM_001425262.1); c.701G>C, p.Arg234Pro (NM_001425263.1); c.488G>C, p.Arg163Pro (NM_001425264.1, NM_001425265.1); and 5 more; short protein forms R318P, R343P.
Identifiers: ClinVar variation 1500435 (VCV001500435.8), dbSNP rs199913054, ClinGen allele CA390377589.